The following is an entry in ClinVar:

NM_144997.7(FLCN):c.871+121C>T

Gene: FLCN (folliculin; minus strand). Cytogenetic location: 17p11.2.
Variant type: single nucleotide variant.
Coding change: c.871+121C>T on transcript NM_144997.7 (MANE Select); 121 bases into the intron after coding-DNA position 871, C replaced by T.
Molecular consequence: intron variant. On other transcripts: missense variant (1).
Genome position (GRCh38, 1-based): chr17:17,221,416, G>A on the plus strand (C>T on the coding strand, the complement: FLCN is on the minus strand). VCF-style: chr17-17221416-G-A. GRCh37 (hg19) VCF-style: chr17-17124730-G-A.
Other names: c.992C>T, p.Thr331Met (NM_144606.7); c.871+121C>T (NM_001353231.2, NM_001353230.2); c.925+121C>T (NM_001353229.2); c.992C>T (NM_144606.5); short protein forms T331M.
Identifiers: ClinVar variation 134429 (VCV000134429.3), dbSNP rs149863088, ClinGen allele CA159781.
Genomic context (GRCh38, chr17:17,221,416, plus strand): 5'-GGAAATCACAACAATCACAACAATCACACCGAGATCGGAGGGTGAGCTTCCCGAAGGCTC[G>A]TTCTGGGCTGATTCAGAGCCGCGTTTCCCTCCCTCAGCGATTCCTGCCAGGAGAGCAGAC-3'

ClinVar aggregate classification (germline): Likely benign. Review status: no assertion criteria provided (0 of 4 stars). 2 submissions from 2 submitters: Likely benign (1). 1 of the submissions does not count toward it. Last evaluated 2022-09-30.

Conditions:
FLCN-related disorder. Also called: FLCN-related condition.

Allele frequency attached by ClinVar (database versions not stated): gnomAD exomes 0.00005 and 0.00010; ExAC 0.00015; gnomAD 0.00022 and 0.00025; TOPMed 0.00028; ESP Exome Variant Server 0.00038.
gnomAD v4.1: 109 of 1,613,730 alleles (0.0068%); highest among the groups gnomAD compares: African/African-American, 0.081%; no homozygotes.

Submissions (2):

PreventionGenetics, part of Exact Sciences
Classification: Likely benign for FLCN-related condition. Last evaluated: 2022-09-30. Review status: no assertion criteria provided. Collection method: clinical testing. Allele origin: germline.
Comment: This variant is classified as likely benign based on ACMG/AMP sequence variant interpretation guidelines (Richards et al. 2015 PMID: 25741868, with internal and published modifications).

ITMI
No classification provided. Condition: AllHighlyPenetrant. Last evaluated: 2013-09-19. Review status: no classification provided. Collection method: reference population. Allele origin: germline. Not counted in ClinVar's aggregate classification.
Comment: Please see associated publication for description of ethnicities

Literature cited by the submitters: PubMed 24728327 (cited by ITMI).